The following is an entry in ClinVar:

ClinVar aggregate classification (germline): Uncertain significance (1 of 4 stars; one submission).

Submission:

Labcorp Genetics (formerly Invitae), Labcorp
Classification: Uncertain significance. Last evaluated: 2025-06-16. Review status: criteria provided, single submitter. Criteria: Invitae Variant Classification Sherloc (09022015). Collection method: clinical testing. Allele origin: germline.
Comment: This sequence change replaces isoleucine, which is neutral and non-polar, with valine, which is neutral and non-polar, at codon 2033 of the UNC80 protein (p.Ile2033Val). This variant is not present in population databases (gnomAD no frequency). This variant has not been reported in the literature in individuals affected with UNC80-related conditions. ClinVar contains an entry for this variant (Variation ID: 2114750). Invitae Evidence Modeling of protein sequence and biophysical properties (such as structural, functional, and spatial information, amino acid conservation, physicochemical variation, residue mobility, and thermodynamic stability) indicates that this missense variant is not expected to disrupt UNC80 protein function with a negative predictive value of 80%. In summary, the available evidence is currently insufficient to determine the role of this variant in disease. Therefore, it has been classified as a Variant of Uncertain Significance.

NM_001371986.1(UNC80):c.6295A>G (p.Ile2099Val)

Gene: UNC80 (unc-80 subunit of NALCN channel complex; plus strand). Cytogenetic location: 2q34.
Variant type: single nucleotide variant.
Coding change: c.6295A>G on transcript NM_001371986.1 (MANE Select); coding-DNA position 6295, A replaced by G.
Protein change: p.Ile2099Val; replaces isoleucine 2099 with valine.
Molecular consequence: missense variant.
Genome position (GRCh38, 1-based): chr2:209,936,865, A>G. VCF-style: chr2-209936865-A-G. GRCh37 (hg19) VCF-style: chr2-210801589-A-G.
Other names: c.6097A>G, p.Ile2033Val (NM_032504.2); c.6082A>G, p.Ile2028Val (NM_182587.4); short protein forms I2099V, I2028V, I2033V.
Identifiers: ClinVar variation 2114750 (VCV002114750.4), dbSNP rs2471159761, ClinGen allele CA350770695.
Genomic context (GRCh38, chr2:209,936,865, plus strand): 5'-CTGATAAACATTTATTAAAATTTGTTGCTATTGTTCTAGGAGTGTCTGGAGTTTTTTAAT[A>G]TCCCAGAATCCCAGTCAACACATTATTTTCTTATGGATAAACGATGGAACCTTATCCACT-3'
Protein context (NP_001358915.1, residues 2089-2109): LLKECLEFFN[Ile2099Val]PESQSTHYFL